The following is an entry in ClinVar:

ClinVar aggregate classification (germline): Uncertain significance. Review status: criteria provided, multiple submitters, no conflicts (2 of 4 stars). 2 submissions from 2 submitters: Uncertain significance (2). Last evaluated 2025-11-03.

Conditions:
Inborn genetic diseases. Identifiers: MedGen C0950123, MeSH D030342.

Allele frequency attached by ClinVar (database versions not stated): gnomAD exomes below 0.00001.

Submissions (2):

Ambry Genetics
Classification: Uncertain significance for Inborn genetic diseases. Last evaluated: 2025-11-03. Review status: criteria provided, single submitter. Criteria: Ambry Variant Classification Scheme 2023. Collection method: clinical testing. Allele origin: germline.

Labcorp Genetics (formerly Invitae), Labcorp
Classification: Uncertain significance. Last evaluated: 2025-02-27. Review status: criteria provided, single submitter. Criteria: Invitae Variant Classification Sherloc (09022015). Collection method: clinical testing. Allele origin: germline.
Comment: This sequence change replaces methionine, which is neutral and non-polar, with valine, which is neutral and non-polar, at codon 361 of the CASQ1 protein (p.Met361Val). This variant is present in population databases (no rsID available, gnomAD 0.02%). This variant has not been reported in the literature in individuals affected with CASQ1-related conditions. ClinVar contains an entry for this variant (Variation ID: 2729719). Invitae Evidence Modeling of protein sequence and biophysical properties (such as structural, functional, and spatial information, amino acid conservation, physicochemical variation, residue mobility, and thermodynamic stability) indicates that this missense variant is not expected to disrupt CASQ1 protein function with a negative predictive value of 80%. In summary, the available evidence is currently insufficient to determine the role of this variant in disease. Therefore, it has been classified as a Variant of Uncertain Significance.

NM_001231.5(CASQ1):c.1081A>G (p.Met361Val)

Gene: CASQ1 (calsequestrin 1; plus strand). Cytogenetic location: 1q23.2.
Variant type: single nucleotide variant.
Coding change: c.1081A>G on transcript NM_001231.5 (MANE Select); coding-DNA position 1081, A replaced by G.
Protein change: p.Met361Val; replaces methionine 361 with valine.
Molecular consequence: missense variant.
Genome position (GRCh38, 1-based): chr1:160,201,266, A>G. VCF-style: chr1-160201266-A-G. GRCh37 (hg19) VCF-style: chr1-160171056-A-G.
Other names: c.1081A>G (NM_001231.4); short protein forms M361V.
Identifiers: ClinVar variation 2729719 (VCV002729719.4), dbSNP rs1344986024, ClinGen allele CA343263730.